The following is an entry in ClinVar:

ClinVar aggregate classification (germline): Conflicting classifications of pathogenicity. Review status: criteria provided, conflicting classifications (1 of 4 stars). 5 submissions from 5 submitters: Likely pathogenic (2); Uncertain significance (3). Last evaluated 2025-11-14.

Conditions:
Mega-corpus-callosum syndrome with cerebellar hypoplasia and cortical malformations. Identifiers: MedGen C4748927, MONDO:0032648, OMIM 618273.

Submissions (5):

GeneDx
Classification: Likely pathogenic. Last evaluated: 2025-11-14. Review status: criteria provided, single submitter. Criteria: GeneDx Variant Classification Process June 2021. Collection method: clinical testing. Allele origin: germline.
Comment: Not observed at significant frequency in large population cohorts (gnomAD); In silico analysis supports that this missense variant has a deleterious effect on protein structure/function; This variant is associated with the following publications: (PMID: 31721002, 30449657, 28554332, 32198973)

Labcorp Genetics (formerly Invitae), Labcorp
Classification: Uncertain significance. Last evaluated: 2025-06-04. Review status: criteria provided, single submitter. Criteria: Invitae Variant Classification Sherloc (09022015). Collection method: clinical testing. Allele origin: germline.
Comment: This sequence change replaces serine, which is neutral and polar, with leucine, which is neutral and non-polar, at codon 93 of the MAST1 protein (p.Ser93Leu). This variant is not present in population databases (gnomAD no frequency). This missense change has been observed in individual(s) with clinical features of MAST1-related conditions (PMID: 28554332). ClinVar contains an entry for this variant (Variation ID: 235895). An algorithm developed to predict the effect of missense changes on protein structure and function (PolyPhen-2) suggests that this variant is likely to be disruptive. In summary, the available evidence is currently insufficient to determine the role of this variant in disease. Therefore, it has been classified as a Variant of Uncertain Significance.

Institute for Medical Genetics and Human Genetics, Charité - Universitätsmedizin Berlin
Classification: Uncertain significance for Mega-corpus-callosum syndrome with cerebellar hypoplasia and cortical malformations. Last evaluated: 2022-09-27. Review status: criteria provided, single submitter. Criteria: ACMG Guidelines, 2015. Collection method: clinical testing. Allele origin: germline. Inheritance: Autosomal dominant inheritance. Affected: yes. Observed: 1 heterozygote.

Institute for Clinical Genetics, University Hospital TU Dresden, University Hospital TU Dresden
Classification: Uncertain significance. Last evaluated: 2022-09-09. Review status: criteria provided, single submitter. Criteria: ACMG Guidelines, 2015. Collection method: clinical testing. Allele origin: germline.
Comment: PM2_SUP, PP2

HudsonAlpha Institute for Biotechnology
Classification: Likely pathogenic. Last evaluated: 2016-05-12. Review status: criteria provided, single submitter. Criteria: HA_assertions_20161101. Collection method: research. Allele origin: de novo. Affected: yes. Observed: 1 variant allele. Study: CSER-HudsonAlpha.

Literature cited by the submitters: PubMed 28554332 (cited by Labcorp Genetics (formerly Invitae), Labcorp).

NM_014975.3(MAST1):c.278C>T (p.Ser93Leu)

Gene: MAST1 (microtubule associated serine/threonine kinase 1; plus strand). Cytogenetic location: 19p13.13.
Variant type: single nucleotide variant.
Coding change: c.278C>T on transcript NM_014975.3 (MANE Select); coding-DNA position 278, C replaced by T.
Protein change: p.Ser93Leu; replaces serine 93 with leucine.
Molecular consequence: missense variant.
Genome position (GRCh38, 1-based): chr19:12,843,558, C>T. VCF-style: chr19-12843558-C-T. GRCh37 (hg19) VCF-style: chr19-12954372-C-T.
Other names: c.278C>T (NM_014975.2); short protein forms S93L.
Identifiers: ClinVar variation 235895 (VCV000235895.10), dbSNP rs878853165, ClinGen allele CA10581483.